The following is an entry in ClinVar:

ClinVar aggregate classification (germline): Uncertain significance (1 of 4 stars; one submission).

Conditions:
Facioscapulohumeral muscular dystrophy 2 (FSHD2). Also called: FACIOSCAPULOHUMERAL MUSCULAR DYSTROPHY 2, DIGENIC; FSHD2, DIGENIC; MUSCULAR DYSTROPHY, FACIOSCAPULOHUMERAL, TYPE 1B. Identifiers: Orphanet 269, MedGen C1834671, MONDO:0008031, OMIM 158901.

Allele frequency attached by ClinVar (database versions not stated): TOPMed 0.00002.

Submission:

Labcorp Genetics (formerly Invitae), Labcorp
Classification: Uncertain significance for Facioscapulohumeral muscular dystrophy 2. Last evaluated: 2023-05-16. Review status: criteria provided, single submitter. Criteria: Invitae Variant Classification Sherloc (09022015). Collection method: clinical testing. Allele origin: germline.
Comment: This variant is not present in population databases (gnomAD no frequency). This variant has not been reported in the literature in individuals affected with SMCHD1-related conditions. ClinVar contains an entry for this variant (Variation ID: 1054893). Advanced modeling of protein sequence and biophysical properties (such as structural, functional, and spatial information, amino acid conservation, physicochemical variation, residue mobility, and thermodynamic stability) performed at Invitae indicates that this missense variant is not expected to disrupt SMCHD1 protein function. In summary, the available evidence is currently insufficient to determine the role of this variant in disease. Therefore, it has been classified as a Variant of Uncertain Significance. This sequence change replaces serine, which is neutral and polar, with cysteine, which is neutral and slightly polar, at codon 1520 of the SMCHD1 protein (p.Ser1520Cys).

NM_015295.3(SMCHD1):c.4558A>T (p.Ser1520Cys)

Gene: SMCHD1 (structural maintenance of chromosomes flexible hinge domain containing 1; plus strand). Cytogenetic location: 18p11.32.
Variant type: single nucleotide variant.
Coding change: c.4558A>T on transcript NM_015295.3 (MANE Select); coding-DNA position 4558, A replaced by T.
Protein change: p.Ser1520Cys; replaces serine 1520 with cysteine.
Molecular consequence: missense variant.
Genome position (GRCh38, 1-based): chr18:2,762,228, A>T. VCF-style: chr18-2762228-A-T. GRCh37 (hg19) VCF-style: chr18-2762226-A-T.
Other names: short protein forms S1520C.
Identifiers: ClinVar variation 1054893 (VCV001054893.9), dbSNP rs1793822504, ClinGen allele CA401695648.
Genomic context (GRCh38, chr18:2,762,228, plus strand): 5'-CCAGCTGTTTCAAATGTTCGCTCAGTTGCCAGTAGGACCTTGGTCAGAGATCTACATCTT[A>T]GTATCACGGTAATGTTTATTTTCTTCCAAAACTGCGAAGGGTAACAAGAAAAATTATCTT-3'
Protein context (NP_056110.2, residues 1510-1530): SRTLVRDLHL[Ser1520Cys]ITDDYDNHTG